The following is an entry in ClinVar:

ClinVar aggregate classification (germline): Conflicting classifications of pathogenicity. Review status: criteria provided, conflicting classifications (1 of 4 stars). 2 submissions from 2 submitters: Uncertain significance (1); Likely benign (1). Last evaluated 2024-06-01.

Allele frequency attached by ClinVar (database versions not stated): ExAC 0.00017; 1000 Genomes Project 0.00020; gnomAD 0.00029; TOPMed 0.00037; 1000 Genomes Project 30x 0.00047.

Submissions (2):

CeGaT Center for Human Genetics Tuebingen
Classification: Likely benign. Last evaluated: 2024-06-01. Review status: criteria provided, single submitter. Criteria: CeGaT Center For Human Genetics Tuebingen Variant Classification Criteria Version 2. Collection method: clinical testing. Allele origin: germline. Affected: yes. Observed: 1 variant allele.
Comment: MUC5B: BP4

Ambry Genetics
Classification: Uncertain significance. Last evaluated: 2021-10-06. Review status: criteria provided, single submitter. Criteria: Ambry Variant Classification Scheme 2023. Collection method: clinical testing. Allele origin: germline.

NM_002458.3(MUC5B):c.7011C>G (p.Asp2337Glu)

Genes: MUC5B (mucin 5B, oligomeric mucus/gel-forming; plus strand), MUC5B-AS1 (MUC5B antisense RNA 1; minus strand). Cytogenetic location: 11p15.5.
Variant type: single nucleotide variant.
Coding change: c.7011C>G on transcript NM_002458.3 (MANE Select); coding-DNA position 7011, C replaced by G.
Protein change: p.Asp2337Glu; replaces aspartic acid 2337 with glutamic acid.
Molecular consequence: missense variant.
Genome position (GRCh38, 1-based): chr11:1,243,891, C>G. VCF-style: chr11-1243891-C-G. GRCh37 (hg19) VCF-style: chr11-1265121-C-G.
Other names: short protein forms D2337E.
Identifiers: ClinVar variation 2341194 (VCV002341194.20), dbSNP rs533470019, ClinGen allele CA5806205.